The following is an entry in ClinVar:

NM_000545.8(HNF1A):c.24_35dup (p.Gln9_Leu12dup)

Gene: HNF1A (HNF1 homeobox A; plus strand). Cytogenetic location: 12q24.31.
Variant type: Duplication.
Coding change: c.24_35dup on transcript NM_000545.8 (MANE Select); coding-DNA positions 24 to 35, 12 bases duplicated (GCAGACGGAGCT).
Protein change: p.Gln9_Leu12dup.
Molecular consequence: inframe insertion.
Genome position (GRCh38, 1-based): chr12:120,978,792-120,978,803, GCAGACGGAGCT duplicated; duplicating any 12 consecutive bases within chr12:120,978,788-120,978,803 gives the same sequence; the c. name uses the placement nearest the transcript's 3' end. VCF-style (leftmost placement, unchanged base first): chr12-120978787-C-CAGCTGCAGACGG. GRCh37 (hg19) VCF-style: chr12-121416590-C-CAGCTGCAGACGG.
Other names: NM_000545.8(HNF1A):c.24_35dup; p.Gln9_Leu12dup; c.24_35dup, p.Gln9_Leu12dup (NM_001306179.2).
Identifiers: ClinVar variation 1338407 (VCV001338407.6), dbSNP rs2135819368, ClinGen allele CA2573051030.
Genomic context (GRCh38, chr12:120,978,787, plus strand): 5'-GCGTGGTGGACCCGGGCCGCGTGGCCCTGTGGCAGCCGAGCCATGGTTTCTAAACTGAGC[C>CAGCTGCAGACGG]AGCTGCAGACGGAGCTCCTGGCGGCCCTGCTCGAGTCAGGGCTGAGCAAAGAGGCACTGA-3'

ClinVar aggregate classification (germline): Likely pathogenic. Review status: reviewed by expert panel (3 of 4 stars). 2 submissions from 2 submitters: Likely pathogenic (1). 1 of the submissions does not count toward it. Last evaluated 2025-06-09.

Conditions:
Monogenic diabetes. Identifiers: Orphanet 183625, MedGen C3888631, MONDO:0015967.

Submissions (2):

ClinGen Monogenic Diabetes Variant Curation Expert Panel
Classification: Likely pathogenic for Monogenic diabetes. Last evaluated: 2025-06-09. Review status: reviewed by expert panel. Criteria: ClinGen Diabetes ACMG Specifications HNF1A V2.1.0. Collection method: curation. Allele origin: germline. Inheritance: Autosomal dominant inheritance.
Comment: The c.24_35dup variant in the HNF1 homeobox A gene, HNF1A, is a 12 base pair insertion resulting in the in-frame addition of 3 amino acid(s) at codon 9 (p.(Gln9_Leu12dup)) within exon 1 of NM_000545.8. This variant is located within the DNA dimerization domain (codons 1-32) of HNF1A, which is defined as critical for the protein’s function by the ClinGen MDEP (PM1_Supporting). This variant is also absent from gnomAD v2.1.1 and v4.1.0 (PM2_Supporting). Additionally, the c.24_35dup variant is predicted to change the length of the protein due an in-frame insertion of three amino acids in a non-repeat region (PM4). This variant was identified in three unrelated individuals with non-autoimmune and non-absolute/near-absolute insulin-deficient diabetes; however, PS4_Moderate cannot be applied because this number is below the ClinGen MDEP threshold (PMIDs: 19169489, 25174781; internal lab contributors). One of these individuals did have a clinical history highly specific for HNF1A-MODY (MODY probability calculator result >50%, negative genetic testing for HNF4A, and negative antibodies) (PP4_Moderate; PMID: 25174781). In summary, c.24_35dup meets the criteria to be classified as likely pathogenic for monogenic diabetes. ACMG/AMP criteria applied, as specified by the ClinGen MDEP (specification version 2.1.0, approved 8/11/23): PM1_Supporting, PM2_Supporting, PM4, PP4_Moderate.

Genetic Services Laboratory, University of Chicago
Classification: Uncertain significance. Last evaluated: 2018-06-05. Review status: criteria provided, single submitter. Criteria: ACMG Guidelines, 2015. Collection method: clinical testing. Allele origin: germline. Affected: no. Not counted in ClinVar's aggregate classification.

Literature cited by the submitters: PubMed 19169489 (cited by ClinGen Monogenic Diabetes Variant Curation Expert Panel); PubMed 25174781 (cited by ClinGen Monogenic Diabetes Variant Curation Expert Panel).